The following is an entry in ClinVar:

ClinVar aggregate classification (germline): Uncertain significance (1 of 4 stars; one submission).

Submission:

Dasa
Classification: Uncertain significance. Last evaluated: 2025-12-23. Review status: criteria provided, single submitter. Criteria: DASA Assertion Criteria. Collection method: clinical testing. Allele origin: germline.
Comment: NM_001348323.3(TRIP12):c.3598G>T (p.Ala1200Ser) is a missense variant that results in the substitution of alanine with serine. This variant is rare in population databases. Computational prediction algorithms are consistent with a benign effect. The currently available literature and clinical evidence are not sufficient to establish a definitive association between this variant and the reported condition. Therefore, this variant is classified as a variant of uncertain significance.

NM_001348323.3(TRIP12):c.3598G>T (p.Ala1200Ser)

Gene: TRIP12 (thyroid hormone receptor interactor 12; minus strand). Cytogenetic location: 2q36.3.
Variant type: single nucleotide variant.
Coding change: c.3598G>T on transcript NM_001348323.3 (MANE Select); coding-DNA position 3598, G replaced by T.
Protein change: p.Ala1200Ser; replaces alanine 1200 with serine.
Molecular consequence: missense variant.
Genome position (GRCh38, 1-based): chr2:229,797,716, C>A on the plus strand (G>T on the coding strand, the complement: TRIP12 is on the minus strand). VCF-style: chr2-229797716-C-A. GRCh37 (hg19) VCF-style: chr2-230662432-C-A.
Other names: c.3472G>T, p.Ala1158Ser (NM_001348317.1, NM_001348318.2, NM_001284215.2 and 1 more transcripts); c.3598G>T, p.Ala1200Ser (NM_001348319.1, NM_001348320.2, NM_001348322.1 and 4 more transcripts); c.3601G>T, p.Ala1201Ser (NM_001348321.1, NM_001348328.1, NM_001348329.2 and 1 more transcripts); c.3517G>T, p.Ala1173Ser (NM_001284214.2, NM_001348315.2); c.2563G>T, p.Ala855Ser (NM_001284216.2); c.3391G>T, p.Ala1131Ser (NM_001348331.1); c.3511G>T, p.Ala1171Ser (NM_001348332.1); c.3520G>T, p.Ala1174Ser (NM_001348333.1); and 1 more; short protein forms A1125S, A1131S, A1158S, A1171S, A1173S, A1174S, A1200S, A1201S.
Identifiers: ClinVar variation 4885350 (VCV004885350.2).
Genomic context (GRCh38, chr2:229,797,716, plus strand): 5'-GAAAAAGACCAGCAAAATGCACTGGACACAGCACCTGGAGGTTGAGTTGTTCGGTTGCAG[C>A]ACAAAGTCTCTGAAGGACATTCAATGCAGGGTTGCTTCCATCCATATTCTCAGAACTGAA-3'
Protein context (NP_001335252.1, residues 1190-1210): PALNVLQRLC[Ala1200Ser]ATEQLNLQVD